The following is an entry in ClinVar:

NM_001957.4(EDNRA):c.713C>T (p.Thr238Ile)

Gene: EDNRA (endothelin receptor type A; plus strand). Cytogenetic location: 4q31.23.
Variant type: single nucleotide variant.
Coding change: c.713C>T on transcript NM_001957.4 (MANE Select); coding-DNA position 713, C replaced by T.
Protein change: p.Thr238Ile; replaces threonine 238 with isoleucine.
Molecular consequence: missense variant. On other transcripts: non-coding transcript variant (1), intron variant (1).
Genome position (GRCh38, 1-based): chr4:147,532,670, C>T. VCF-style: chr4-147532670-C-T. GRCh37 (hg19) VCF-style: chr4-148453822-C-T.
Other names: c.421-3207C>T (NM_001166055.2); short protein forms T238I.
Identifiers: ClinVar variation 4528060 (VCV004528060.1).

ClinVar aggregate classification (germline): Uncertain significance (1 of 4 stars; one submission).

Submission:

GeneDx
Classification: Uncertain significance. Last evaluated: 2025-05-02. Review status: criteria provided, single submitter. Criteria: GeneDx Variant Classification Process June 2021. Collection method: clinical testing. Allele origin: germline. Affected: yes.
Comment: Not observed at significant frequency in large population cohorts (gnomAD); In silico analysis suggests that this missense variant does not alter protein structure/function; Has not been previously published as pathogenic or benign to our knowledge